The following is an entry in ClinVar:

ClinVar aggregate classification (germline): Pathogenic (1 of 4 stars; one submission).

Conditions:
Hereditary pheochromocytoma and paraganglioma. Also called: Hereditary Paraganglioma-Pheochromocytoma Syndromes; Hereditary paragangliomas and pheochromocytomas; Hereditary pheochromocytoma-paraganglioma. Identifiers: Orphanet 29072, MedGen C4274332, MONDO:0017366.

Submission:

Myriad Genetics, Inc.
Classification: Pathogenic for Hereditary pheochromocytoma and paraganglioma. Last evaluated: 2026-07-02. Review status: criteria provided, single submitter. Criteria: Myriad Autosomal Dominant, Autosomal Recessive and X-Linked Classification Criteria (2023). Collection method: clinical testing. Allele origin: unknown.
Comment: This variant is considered pathogenic. This variant creates a frameshift predicted to result in premature protein truncation.

NM_017849.4(TMEM127):c.15_55del (p.Gly6fs)

Genes: TMEM127 (transmembrane protein 127; minus strand), LOC129934333 (ATAC-STARR-seq lymphoblastoid silent region 11759; plus strand). Cytogenetic location: 2q11.2.
Variant type: Deletion.
Coding change: c.15_55del on transcript NM_017849.4 (MANE Select); coding-DNA positions 15 to 55, 41 bases deleted.
Protein change: p.Gly6fs; shifts the reading frame from glycine 6.
Molecular consequence: frameshift variant. On other transcripts: intron variant (1).
Genome position (GRCh38, 1-based): chr2:96,265,327-96,265,367, 41 bases deleted; deleting any 41 consecutive bases within chr2:96,265,327-96,265,372 gives the same sequence; the c. name uses the placement nearest the transcript's 3' end. GRCh37 (hg19): chr2:96,931,070-96,931,110.
Other names: c.-9+502_-9+542del (NM_001407283.1); c.15_55del, p.Gly6fs (NM_001193304.3); short protein forms G6fs.
Identifiers: ClinVar variation 5042202 (VCV005042202.1).